The following is an entry in ClinVar:

ClinVar aggregate classification (germline): Conflicting classifications of pathogenicity. Review status: criteria provided, conflicting classifications (1 of 4 stars). 3 submissions from 3 submitters: Uncertain significance (2); Likely benign (1). Last evaluated 2024-09-20.

Conditions:
Pyruvate dehydrogenase E3-binding protein deficiency (PDHXD). Also called: LACTIC ACIDEMIA DUE TO DEFECT IN LIPOYL-CONTAINING COMPONENT X OF THE PYRUVATE DEHYDROGENASE COMPLEX; PYRUVATE HYDROGENASE E3-BINDING PROTEIN DEFICIENCY; E3-Binding Protein (Component X) Deficiency; Lacticacidemia due to PDX1 deficiency. Identifiers: Orphanet 255182, MedGen C1855553, MONDO:0009503, OMIM 245349.

gnomAD v4.1: 17 of 1,614,192 alleles (0.0011%); highest among the groups gnomAD compares: African/African-American, 0.019%; no homozygotes.

Submissions (3):

3billion
Classification: Likely benign for Pyruvate dehydrogenase E3-binding protein deficiency. Last evaluated: 2024-09-20. Review status: criteria provided, single submitter. Criteria: ACMG Guidelines, 2015. Collection method: clinical testing. Allele origin: germline. Affected: no.
Comment: The homozygous variant was found in patients diagnosed with another variant in a different gene, with no symptoms related to the gene containing the homozygous variant.

Women's Health and Genetics/Laboratory Corporation of America, LabCorp
Classification: Uncertain significance. Last evaluated: 2024-08-02. Review status: criteria provided, single submitter. Criteria: LabCorp Variant Classification Summary - May 2015. Collection method: clinical testing. Allele origin: germline.

Labcorp Genetics (formerly Invitae), Labcorp
Classification: Uncertain significance. Last evaluated: 2022-05-08. Review status: criteria provided, single submitter. Criteria: Invitae Variant Classification Sherloc (09022015). Collection method: clinical testing. Allele origin: germline.
Comment: This sequence change replaces glutamine, which is neutral and polar, with glutamic acid, which is acidic and polar, at codon 248 of the PDHX protein (p.Gln248Glu). This variant is not present in population databases (gnomAD no frequency). This variant has not been reported in the literature in individuals affected with PDHX-related conditions. Algorithms developed to predict the effect of missense changes on protein structure and function output the following: SIFT: "Tolerated"; PolyPhen-2: "Benign"; Align-GVGD: "Class C0". The glutamic acid amino acid residue is found in multiple mammalian species, which suggests that this missense change does not adversely affect protein function. Algorithms developed to predict the effect of sequence changes on RNA splicing suggest that this variant may create or strengthen a splice site. In summary, the available evidence is currently insufficient to determine the role of this variant in disease. Therefore, it has been classified as a Variant of Uncertain Significance.

NM_003477.3(PDHX):c.742C>G (p.Gln248Glu)

Gene: PDHX (pyruvate dehydrogenase complex component X; plus strand). Cytogenetic location: 11p13.
Variant type: single nucleotide variant.
Coding change: c.742C>G on transcript NM_003477.3 (MANE Select); coding-DNA position 742, C replaced by G.
Protein change: p.Gln248Glu; replaces glutamine 248 with glutamic acid.
Molecular consequence: missense variant. On other transcripts: intron variant (1).
Genome position (GRCh38, 1-based): chr11:34,966,740, C>G. VCF-style: chr11-34966740-C-G. GRCh37 (hg19) VCF-style: chr11-34988287-C-G.
Other names: c.562C>G, p.Gln188Glu (NM_001135024.2); c.343-17830C>G (NM_001166158.2); short protein forms Q188E, Q248E.
Identifiers: ClinVar variation 1405184 (VCV001405184.5), dbSNP rs113309941, ClinGen allele CA220466391.